The following is an entry in ClinVar:

NM_021120.4(DLG3):c.2221A>G (p.Ile741Val)

Gene: DLG3 (discs large MAGUK scaffold protein 3; plus strand). Cytogenetic location: Xq13.1.
Variant type: single nucleotide variant.
Coding change: c.2221A>G on transcript NM_021120.4 (MANE Select); coding-DNA position 2221, A replaced by G.
Protein change: p.Ile741Val; replaces isoleucine 741 with valine.
Molecular consequence: missense variant.
Genome position (GRCh38, 1-based): chrX:70,500,546, A>G. VCF-style: chrX-70500546-A-G. GRCh37 (hg19) VCF-style: chrX-69720396-A-G.
Other names: c.868A>G, p.Ile290Val (NM_001166278.2); c.1306A>G, p.Ile436Val (NM_020730.3); short protein forms I290V, I436V, I741V.
Identifiers: ClinVar variation 3370164 (VCV003370164.1).
Genomic context (GRCh38, chrX:70,500,546, plus strand): 5'-TTAGATGTTTCCGGCAATGCTATCAAGAGACTGCAGCAAGCACAACTTTACCCCATTGCC[A>G]TTTTCATCAAGCCCAAGTCCATTGAAGCCCTTATGTAAGTGTTGAACTGAGAACTCAGAC-3'
Protein context (NP_066943.2, residues 731-751): LQQAQLYPIA[Ile741Val]FIKPKSIEAL

ClinVar aggregate classification (germline): Uncertain significance (1 of 4 stars; one submission).

Submission:

GeneDx
Classification: Uncertain significance. Last evaluated: 2023-12-23. Review status: criteria provided, single submitter. Criteria: GeneDx Variant Classification Process June 2021. Collection method: clinical testing. Allele origin: germline. Affected: yes.
Comment: Not observed at significant frequency in large population cohorts (gnomAD); In silico analysis supports that this missense variant does not alter protein structure/function; Has not been previously published as pathogenic or benign to our knowledge